The following is an entry in ClinVar:

NM_001134831.2(AHI1):c.3157G>A (p.Ala1053Thr)

Gene: AHI1 (Abelson helper integration site 1; minus strand). Cytogenetic location: 6q23.3.
Variant type: single nucleotide variant.
Coding change: c.3157G>A on transcript NM_001134831.2 (MANE Select); coding-DNA position 3157, G replaced by A.
Protein change: p.Ala1053Thr; replaces alanine 1053 with threonine.
Molecular consequence: missense variant.
Genome position (GRCh38, 1-based): chr6:135,358,140, C>T on the plus strand (G>A on the coding strand, the complement: AHI1 is on the minus strand). VCF-style: chr6-135358140-C-T. GRCh37 (hg19) VCF-style: chr6-135679278-C-T.
Other names: c.3157G>A, p.Ala1053Thr (NM_001134830.2, NM_001350503.2, NM_001350504.2 and 1 more transcripts); short protein forms A1053T.
Identifiers: ClinVar variation 940115 (VCV000940115.10), dbSNP rs1261277645, ClinGen allele CA365840766.

ClinVar aggregate classification (germline): Uncertain significance. Review status: criteria provided, multiple submitters, no conflicts (2 of 4 stars). 2 submissions from 2 submitters: Uncertain significance (2). Last evaluated 2025-05-05.

Conditions:
Joubert syndrome 3 (JBTS3). Also called: AHI1-related Ciliopathy. Identifiers: Orphanet 220493, MedGen C1837713, MONDO:0012078, OMIM 608629.
Joubert syndrome. Also called: Familial aplasia of the vermis; CEREBELLOPARENCHYMAL DISORDER IV; JOUBERT-BOLTSHAUSER SYNDROME. Identifiers: Orphanet 475, MedGen C5979921, MONDO:0018772.

Allele frequency attached by ClinVar (database versions not stated): TOPMed below 0.00001; gnomAD 0.00001; gnomAD exomes 0.00001 and 0.00002.
gnomAD v4.1: 13 of 1,612,444 alleles (0.00081%); highest among the groups gnomAD compares: Non-Finnish European, 0.0011%; no homozygotes.

Submissions (2):

Labcorp Genetics (formerly Invitae), Labcorp
Classification: Uncertain significance for Joubert syndrome. Last evaluated: 2025-05-05. Review status: criteria provided, single submitter. Criteria: Invitae Variant Classification Sherloc (09022015). Collection method: clinical testing. Allele origin: germline.
Comment: This sequence change replaces alanine, which is neutral and non-polar, with threonine, which is neutral and polar, at codon 1053 of the AHI1 protein (p.Ala1053Thr). This variant is present in population databases (no rsID available, gnomAD 0.0009%). This variant has not been reported in the literature in individuals affected with AHI1-related conditions. ClinVar contains an entry for this variant (Variation ID: 940115). Invitae Evidence Modeling of protein sequence and biophysical properties (such as structural, functional, and spatial information, amino acid conservation, physicochemical variation, residue mobility, and thermodynamic stability) indicates that this missense variant is not expected to disrupt AHI1 protein function with a negative predictive value of 95%. In summary, the available evidence is currently insufficient to determine the role of this variant in disease. Therefore, it has been classified as a Variant of Uncertain Significance.

Fulgent Genetics
Classification: Uncertain significance for Joubert syndrome 3. Last evaluated: 2024-05-21. Review status: criteria provided, single submitter. Criteria: ACMG Guidelines, 2015. Collection method: clinical testing. Allele origin: germline.